The following is an entry in ClinVar:

NM_000532.5(PCCB):c.19G>T (p.Val7Leu)

Gene: PCCB (propionyl-CoA carboxylase subunit beta; plus strand). Cytogenetic location: 3q22.3.
Variant type: single nucleotide variant.
Coding change: c.19G>T on transcript NM_000532.5 (MANE Select); coding-DNA position 19, G replaced by T.
Protein change: p.Val7Leu; replaces valine 7 with leucine.
Molecular consequence: missense variant.
Genome position (GRCh38, 1-based): chr3:136,250,394, G>T. VCF-style: chr3-136250394-G-T. GRCh37 (hg19) VCF-style: chr3-135969236-G-T.
Other names: c.19G>T, p.Val7Leu (NM_001178014.2); short protein forms V7L.
Identifiers: ClinVar variation 2135200 (VCV002135200.4), dbSNP rs1306052988, ClinGen allele CA354737837.

ClinVar aggregate classification (germline): Uncertain significance (1 of 4 stars; one submission).

Conditions:
Propionic acidemia (PROP). Also called: HYPERGLYCINEMIA WITH KETOACIDOSIS AND LEUKOPENIA; KETOTIC HYPERGLYCINEMIA; GLYCINEMIA, KETOTIC. Identifiers: Orphanet 35, MedGen C0268579, MONDO:0011628, OMIM 606054, HP:0003571.

Allele frequency attached by ClinVar (database versions not stated): TOPMed below 0.00001; gnomAD 0.00001.

Submission:

Labcorp Genetics (formerly Invitae), Labcorp
Classification: Uncertain significance for Propionic acidemia. Last evaluated: 2022-05-07. Review status: criteria provided, single submitter. Criteria: Invitae Variant Classification Sherloc (09022015). Collection method: clinical testing. Allele origin: germline.
Comment: In summary, the available evidence is currently insufficient to determine the role of this variant in disease. Therefore, it has been classified as a Variant of Uncertain Significance. Advanced modeling of protein sequence and biophysical properties (such as structural, functional, and spatial information, amino acid conservation, physicochemical variation, residue mobility, and thermodynamic stability) performed at Invitae indicates that this missense variant is not expected to disrupt PCCB protein function. This variant has not been reported in the literature in individuals affected with PCCB-related conditions. This variant is present in population databases (no rsID available, gnomAD 0.007%). This sequence change replaces valine, which is neutral and non-polar, with leucine, which is neutral and non-polar, at codon 7 of the PCCB protein (p.Val7Leu).